The following is an entry in ClinVar:

NM_007294.4(BRCA1):c.4981G>T (p.Glu1661Ter)

Gene: BRCA1 (BRCA1 DNA repair associated; minus strand). Cytogenetic location: 17q21.31.
Variant type: single nucleotide variant.
Coding change: c.4981G>T on transcript NM_007294.4 (MANE Select); coding-DNA position 4981, G replaced by T.
Protein change: p.Glu1661Ter; replaces glutamic acid 1661 with a stop codon.
Molecular consequence: nonsense. On other transcripts: non-coding transcript variant (1).
Genome position (GRCh38, 1-based): chr17:43,070,933, C>A on the plus strand (G>T on the coding strand, the complement: BRCA1 is on the minus strand). VCF-style: chr17-43070933-C-A. GRCh37 (hg19) VCF-style: chr17-41222950-C-A.
Other names: c.4768G>T, p.Glu1590Ter (NM_001407571.1, NM_001407894.1, NM_001407895.1 and 12 more transcripts); c.5047G>T, p.Glu1683Ter (NM_001407581.1, NM_001407582.1); c.5044G>T, p.Glu1682Ter (NM_001407583.1, NM_001407585.1, NM_001407587.1 and 1 more transcripts); c.5041G>T, p.Glu1681Ter (NM_001407590.1, NM_001407591.1); c.4981G>T, p.Glu1661Ter (NM_001407593.1, NM_001407594.1, NM_001407596.1 and 8 more transcripts); c.4978G>T, p.Glu1660Ter (NM_001407617.1, NM_001407618.1, NM_001407619.1 and 17 more transcripts); c.4975G>T, p.Glu1659Ter (NM_001407636.1, NM_001407637.1, NM_001407638.1 and 14 more transcripts); c.4972G>T, p.Glu1658Ter (NM_001407644.1, NM_001407645.1); and 70 more; short protein forms E1661*, E1682*, E1614*, E557*, E1364*, E1492*, E1532*, E1533*.
Identifiers: ClinVar variation 55338 (VCV000055338.20), dbSNP rs80357401, ClinGen allele CA003116.

ClinVar aggregate classification (germline): Pathogenic. Review status: reviewed by expert panel (3 of 4 stars). 6 submissions from 6 submitters: Pathogenic (1). 5 of the submissions do not count toward it. Last evaluated 2016-09-08.

Conditions:
Hereditary cancer-predisposing syndrome. Also called: Neoplastic Syndromes, Hereditary; Tumor predisposition; Hereditary Cancer Syndrome; Hereditary neoplastic syndrome. Identifiers: Orphanet 140162, MedGen C0027672, MeSH D009386, MONDO:0015356.
Hereditary breast ovarian cancer syndrome. Also called: Hereditary breast and/or ovarian cancer syndrome; Hereditary breast and ovarian cancer syndrome; Hereditary breast and ovarian cancer; Hereditary breast and ovarian cancer syndrome (HBOC); Breast and ovarian cancer; BRCA1- and BRCA2-Associated Hereditary Breast and Ovarian Cancer. Identifiers: Orphanet 145, MedGen C0677776, MeSH D061325, MONDO:0003582. Disease mechanism: loss of function.
Breast-ovarian cancer, familial, susceptibility to, 1 (BROVCA1). Also called: OVARIAN CANCER, SUSCEPTIBILITY TO; BRCA1 Hereditary Breast and Ovarian Cancer. Identifiers: Orphanet 145, MedGen C2676676, MONDO:0011450, OMIM 604370. Disease mechanism: loss of function.

Submissions (7):

Evidence-based Network for the Interpretation of Germline Mutant Alleles (ENIGMA)
Classification: Pathogenic for Breast-ovarian cancer, familial, susceptibility to, 1. Last evaluated: 2016-09-08. Review status: reviewed by expert panel. Criteria: ENIGMA BRCA1/2 Classification Criteria (2015). Collection method: curation. Allele origin: germline.
Comment: Variant allele predicted to encode a truncated non-functional protein.

Labcorp Genetics (formerly Invitae), Labcorp
Classification: Pathogenic for Hereditary breast ovarian cancer syndrome. Last evaluated: 2024-01-11. Review status: criteria provided, single submitter. Criteria: Invitae Variant Classification Sherloc (09022015). Collection method: clinical testing. Allele origin: germline. Not counted in ClinVar's aggregate classification.
Comment: This sequence change creates a premature translational stop signal (p.Glu1661*) in the BRCA1 gene. It is expected to result in an absent or disrupted protein product. Loss-of-function variants in BRCA1 are known to be pathogenic (PMID: 20104584). This variant is not present in population databases (gnomAD no frequency). This premature translational stop signal has been observed in individual(s) with breast cancer and/or ovarian cancer (PMID: 15117986, 30309222). ClinVar contains an entry for this variant (Variation ID: 55338). For these reasons, this variant has been classified as Pathogenic.

Ambry Genetics
Classification: Pathogenic for Hereditary cancer-predisposing syndrome. Last evaluated: 2016-09-19. Review status: criteria provided, single submitter. Criteria: Ambry Variant Classification Scheme 2023. Collection method: clinical testing. Allele origin: germline. Not counted in ClinVar's aggregate classification.
Comment: The p.E1661* pathogenic mutation (also known as c.4981G>T), located in coding exon 14 of the BRCA1 gene, results from a G to T substitution at nucleotide position 4981. This changes the amino acid from a glutamic acid to a stop codon within coding exon 14. This mutation was identified in multiple Korean patients with breast and ovarian cancer (Kang E et al. Breast Cancer Res. Treat., 2015 May;151:157-68; Choi DH et al. J. Clin. Oncol., 2004 May;22:1638-45; Kim H et al. Breast Cancer Res. Treat., 2012 Aug;134:1315-26; Ahn SH et al. Cancer Lett., 2007 Jan;245:90-5). In addition to the clinical data presented in the literature, this alteration is expected to result in loss of function by premature protein truncation or nonsense-mediated mRNA decay. As such, this alteration is interpreted as a disease-causing mutation.

Consortium of Investigators of Modifiers of BRCA1/2 (CIMBA), c/o University of Cambridge
Classification: Pathogenic for Breast-ovarian cancer, familial, susceptibility to, 1. Last evaluated: 2015-10-02. Review status: criteria provided, single submitter. Criteria: CIMBA Mutation Classification guidelines May 2016. Collection method: clinical testing. Allele origin: germline. Not counted in ClinVar's aggregate classification.

Juno Genomics, Hangzhou Juno Genomics, Inc
Classification: Pathogenic for Breast-ovarian cancer, familial, susceptibility to, 1. Review status: criteria provided, single submitter. Criteria: ACMG Guidelines, 2015. Collection method: clinical testing. Allele origin: germline. Not counted in ClinVar's aggregate classification.
Comment: Absent from controls (or at extremely low frequency if recessive) in Genome Aggregation Database.;Null variant in a gene where loss of function (LOF) is a known mechanism of disease.;Novel missense change at an amino acid residue where a different missense change determined to be pathogenic has been seen before.

Breast Cancer Information Core (BIC) (BRCA1)
Classification: Pathogenic for Breast-ovarian cancer, familial 1. Last evaluated: 2002-06-20. Review status: no assertion criteria provided. Collection method: clinical testing. Allele origin: germline. Affected: yes. Observed: 1 variant allele. Not counted in ClinVar's aggregate classification.

Brotman Baty Institute, University of Washington
No classification provided (evidence only). Condition: Breast-ovarian cancer, familial 1. Review status: no classification provided. Collection method: in vitro. Allele origin: not applicable. Functional consequence: functionally_abnormal. Not counted in ClinVar's aggregate classification.
ClinVar note: "not provided" was previously submitted as the classification for the variant. However, the classification appeared to be based only on an observation of functional data so it was converted to no classification on 2025-07-30.

Literature cited by the submitters: PubMed 20104584 (cited by Labcorp Genetics (formerly Invitae), Labcorp); PubMed 15117986 (cited by Labcorp Genetics (formerly Invitae), Labcorp and Ambry Genetics); PubMed 30309222 (cited by Labcorp Genetics (formerly Invitae), Labcorp); PubMed 16455195 (cited by Ambry Genetics); PubMed 22798144 (cited by Ambry Genetics); PubMed 25863477 (cited by Ambry Genetics).